The following is an entry in ClinVar:

ClinVar aggregate classification (germline): Uncertain significance (1 of 4 stars; one submission).

Allele frequency attached by ClinVar (database versions not stated): TOPMed below 0.00001.
gnomAD v4.1: 1 of 1,558,258 alleles (0.000064%); highest among the groups gnomAD compares: Non-Finnish European, 0.000087%; no homozygotes.

Submission:

Ambry Genetics
Classification: Uncertain significance. Last evaluated: 2023-01-14. Review status: criteria provided, single submitter. Criteria: Ambry Variant Classification Scheme 2023. Collection method: clinical testing. Allele origin: germline.
Comment: The p.E73Q variant (also known as c.217G>C), located in coding exon 1 of the TERF2IP gene, results from a G to C substitution at nucleotide position 217. The glutamic acid at codon 73 is replaced by glutamine, an amino acid with highly similar properties. This amino acid position is conserved. In addition, this alteration is predicted to be tolerated by in silico analysis. Since supporting evidence is limited at this time, the clinical significance of this alteration remains unclear.

NM_018975.4(TERF2IP):c.217G>C (p.Glu73Gln)

Gene: TERF2IP (TERF2 interacting protein; plus strand). Cytogenetic location: 16q23.1.
Variant type: single nucleotide variant.
Coding change: c.217G>C on transcript NM_018975.4 (MANE Select); coding-DNA position 217, G replaced by C.
Protein change: p.Glu73Gln; replaces glutamic acid 73 with glutamine.
Molecular consequence: missense variant. On other transcripts: non-coding transcript variant (1).
Genome position (GRCh38, 1-based): chr16:75,648,099, G>C. VCF-style: chr16-75648099-G-C. GRCh37 (hg19) VCF-style: chr16-75681997-G-C.
Other names: short protein forms E73Q.
Identifiers: ClinVar variation 2448537 (VCV002448537.2), dbSNP rs762174244, ClinGen allele CA396817455.